The following is an entry in ClinVar:

NM_001378454.1(ALMS1):c.8499C>G (p.Phe2833Leu)

Gene: ALMS1 (ALMS1 centrosome and basal body associated protein; plus strand). Cytogenetic location: 2p13.1.
Variant type: single nucleotide variant.
Coding change: c.8499C>G on transcript NM_001378454.1 (MANE Select); coding-DNA position 8499, C replaced by G.
Protein change: p.Phe2833Leu; replaces phenylalanine 2833 with leucine.
Molecular consequence: missense variant.
Genome position (GRCh38, 1-based): chr2:73,490,458, C>G. VCF-style: chr2-73490458-C-G. GRCh37 (hg19) VCF-style: chr2-73717585-C-G.
Other names: c.8502C>G, p.Phe2834Leu (NM_015120.4); short protein forms F2833L, F2834L.
Identifiers: ClinVar variation 2449593 (VCV002449593.2), dbSNP rs2466216225, ClinGen allele CA347269155.

ClinVar aggregate classification (germline): Uncertain significance (1 of 4 stars; one submission).

Conditions:
Cardiovascular phenotype. Identifiers: MedGen CN230736.

Allele frequency attached by ClinVar (database versions not stated): gnomAD exomes below 0.00001.
gnomAD v4.1: 1 of 1,614,162 alleles (0.000062%); highest among the groups gnomAD compares: Non-Finnish European, 0.000085%; no homozygotes.

Submission:

Ambry Genetics
Classification: Uncertain significance for Cardiovascular phenotype. Last evaluated: 2023-01-03. Review status: criteria provided, single submitter. Criteria: Ambry Variant Classification Scheme 2023. Collection method: clinical testing. Allele origin: germline.
Comment: The p.F2834L variant (also known as c.8502C>G), located in coding exon 10 of the ALMS1 gene, results from a C to G substitution at nucleotide position 8502. The phenylalanine at codon 2834 is replaced by leucine, an amino acid with highly similar properties. This amino acid position is not well conserved in available vertebrate species. In addition, this alteration is predicted to be tolerated by in silico analysis. Since supporting evidence is limited at this time, the clinical significance of this alteration remains unclear.